The following is an entry in ClinVar:

NM_022124.6(CDH23):c.1085A>G (p.Gln362Arg)

Gene: CDH23 (cadherin related 23; plus strand). Cytogenetic location: 10q22.1.
Variant type: single nucleotide variant.
Coding change: c.1085A>G on transcript NM_022124.6 (MANE Select); coding-DNA position 1085, A replaced by G.
Protein change: p.Gln362Arg; replaces glutamine 362 with arginine.
Molecular consequence: missense variant.
Genome position (GRCh38, 1-based): chr10:71,617,344, A>G. VCF-style: chr10-71617344-A-G. GRCh37 (hg19) VCF-style: chr10-73377101-A-G.
Other names: c.1085A>G, p.Gln362Arg (NM_001171930.2, NM_001171931.2, NM_001171932.2 and 1 more transcripts); short protein forms Q362R.
Identifiers: ClinVar variation 1401573 (VCV001401573.5), dbSNP rs538034348, ClinGen allele CA5543634.

ClinVar aggregate classification (germline): Uncertain significance. Review status: criteria provided, multiple submitters, no conflicts (2 of 4 stars). 2 submissions from 2 submitters: Uncertain significance (2). Last evaluated 2025-08-07.

Allele frequency attached by ClinVar (database versions not stated): gnomAD 0.00001; gnomAD exomes 0.00002 and 0.00004; ExAC 0.00004; 1000 Genomes Project 0.00020; 1000 Genomes Project 30x 0.00031.
gnomAD v4.1: 37 of 1,613,976 alleles (0.0023%); highest among the groups gnomAD compares: South Asian, 0.038%; no homozygotes.

Submissions (2):

Labcorp Genetics (formerly Invitae), Labcorp
Classification: Uncertain significance. Last evaluated: 2025-08-07. Review status: criteria provided, single submitter. Criteria: Invitae Variant Classification Sherloc (09022015). Collection method: clinical testing. Allele origin: germline.
Comment: This sequence change replaces glutamine, which is neutral and polar, with arginine, which is basic and polar, at codon 362 of the CDH23 protein (p.Gln362Arg). This variant is present in population databases (rs538034348, gnomAD 0.04%). This variant has not been reported in the literature in individuals affected with CDH23-related conditions. ClinVar contains an entry for this variant (Variation ID: 1401573). Invitae Evidence Modeling of protein sequence and biophysical properties (such as structural, functional, and spatial information, amino acid conservation, physicochemical variation, residue mobility, and thermodynamic stability) has been performed for this missense variant. However, the output from this modeling did not meet the statistical confidence thresholds required to predict the impact of this variant on CDH23 protein function. In summary, the available evidence is currently insufficient to determine the role of this variant in disease. Therefore, it has been classified as a Variant of Uncertain Significance.

GeneDx
Classification: Uncertain significance. Last evaluated: 2022-04-07. Review status: criteria provided, single submitter. Criteria: GeneDx Variant Classification Process June 2021. Collection method: clinical testing. Allele origin: germline. Affected: yes.
Comment: In silico analysis supports that this missense variant does not alter protein structure/function; Has not been previously published as pathogenic or benign to our knowledge